The following is an entry in ClinVar:

ClinVar aggregate classification (germline): Likely benign (1 of 4 stars; one submission).

Allele frequency attached by ClinVar (database versions not stated): ExAC 0.00002; gnomAD 0.00002; TOPMed 0.00002; gnomAD exomes 0.00003 and 0.00004; 1000 Genomes Project 30x 0.00016; 1000 Genomes Project 0.00020.
gnomAD v4.1: 43 of 1,614,120 alleles (0.0027%); highest among the groups gnomAD compares: South Asian, 0.0055%; no homozygotes.

Submission:

GeneDx
Classification: Likely benign. Last evaluated: 2017-03-21. Review status: criteria provided, single submitter. Criteria: GeneDx Variant Classification (06012015). Collection method: clinical testing. Allele origin: germline. Affected: yes.
Comment: This variant is considered likely benign or benign based on one or more of the following criteria: it is a conservative change, it occurs at a poorly conserved position in the protein, it is predicted to be benign by multiple in silico algorithms, and/or has population frequency not consistent with disease.

NM_013391.3(DMGDH):c.1401G>A (p.Pro467=)

Gene: DMGDH (dimethylglycine dehydrogenase; minus strand). Cytogenetic location: 5q14.1.
Variant type: single nucleotide variant.
Coding change: c.1401G>A on transcript NM_013391.3 (MANE Select); coding-DNA position 1401, G replaced by A.
Protein change: p.Pro467=; no amino-acid change (proline 467 retained).
Molecular consequence: synonymous variant. On other transcripts: non-coding transcript variant (2).
Genome position (GRCh38, 1-based): chr5:79,032,803, C>T on the plus strand (G>A on the coding strand, the complement: DMGDH is on the minus strand). VCF-style: chr5-79032803-C-T. GRCh37 (hg19) VCF-style: chr5-78328626-C-T.
Identifiers: ClinVar variation 507998 (VCV000507998.1), dbSNP rs534488827, ClinGen allele CA3318735.